The following is an entry in ClinVar:

NM_001353694.2(TIAM1):c.3241-10T>C

Gene: TIAM1 (TIAM Rac1 associated GEF 1; minus strand). Cytogenetic location: 21q22.11.
Variant type: single nucleotide variant.
Coding change: c.3241-10T>C on transcript NM_001353694.2 (MANE Select); 10 bases into the intron before coding-DNA position 3241, T replaced by C.
Molecular consequence: intron variant.
Genome position (GRCh38, 1-based): chr21:31,152,771, A>G on the plus strand (T>C on the coding strand, the complement: TIAM1 is on the minus strand). VCF-style: chr21-31152771-A-G. GRCh37 (hg19) VCF-style: chr21-32525089-A-G.
Other names: c.3241-10T>C (NM_001353690.1, NM_003253.3, NM_001353688.1 and 4 more transcripts); c.3166-10T>C (NM_001353687.2, NM_001353686.2); c.265-10T>C (NM_001353685.2); c.340-10T>C (NM_001353684.2).
Identifiers: ClinVar variation 3052970 (VCV003052970.2), dbSNP rs562315817, ClinGen allele CA9997864.
Genomic context (GRCh38, chr21:31,152,771, plus strand): 5'-TTCTACTTGAAACTCTACCATTTCCGTTAAATTTCCAAAAAGCACGTCAAGCTAGAAATA[A>G]AACAGAATTTAATGCACCTCATATCTCATTAGTCTTCCTAAACGTTATTTATATCTGATT-3'

ClinVar aggregate classification (germline): Likely benign (0 of 4 stars; one submission).

Conditions:
TIAM1-related disorder. Also called: TIAM1-related condition.

Allele frequency attached by ClinVar (database versions not stated): gnomAD exomes 0.00002; TOPMed 0.00005; ExAC 0.00006; gnomAD 0.00007; 1000 Genomes Project 30x 0.00078; 1000 Genomes Project 0.00100.
gnomAD v4.1: 38 of 1,613,662 alleles (0.0024%); highest among the groups gnomAD compares: East Asian, 0.074%; no homozygotes.

Submission:

PreventionGenetics, part of Exact Sciences
Classification: Likely benign for TIAM1-related condition. Last evaluated: 2019-08-16. Review status: no assertion criteria provided. Collection method: clinical testing. Allele origin: germline.
Comment: This variant is classified as likely benign based on ACMG/AMP sequence variant interpretation guidelines (Richards et al. 2015 PMID: 25741868, with internal and published modifications).